The following is an entry in ClinVar:

ClinVar aggregate classification (germline): Uncertain significance (1 of 4 stars; one submission).

Conditions:
Cardiovascular phenotype. Identifiers: MedGen CN230736.

Submission:

Ambry Genetics
Classification: Uncertain significance for Cardiovascular phenotype. Last evaluated: 2023-12-04. Review status: criteria provided, single submitter. Criteria: Ambry Variant Classification Scheme 2023. Collection method: clinical testing. Allele origin: germline.
Comment: The p.P193Q variant (also known as c.578C>A), located in coding exon 3 of the APOA5 gene, results from a C to A substitution at nucleotide position 578. The proline at codon 193 is replaced by glutamine, an amino acid with similar properties. This amino acid position is conserved. In addition, this alteration is predicted to be deleterious by in silico analysis. Since supporting evidence is limited at this time, the clinical significance of this alteration remains unclear.

NM_001371904.1(APOA5):c.578C>A (p.Pro193Gln)

Gene: APOA5 (apolipoprotein A5; minus strand). Cytogenetic location: 11q23.3.
Variant type: single nucleotide variant.
Coding change: c.578C>A on transcript NM_001371904.1 (MANE Select); coding-DNA position 578, C replaced by A.
Protein change: p.Pro193Gln; replaces proline 193 with glutamine.
Molecular consequence: missense variant.
Genome position (GRCh38, 1-based): chr11:116,790,651, G>T on the plus strand (C>A on the coding strand, the complement: APOA5 is on the minus strand). VCF-style: chr11-116790651-G-T. GRCh37 (hg19) VCF-style: chr11-116661367-G-T.
Other names: c.578C>A, p.Pro193Gln (NM_001166598.2, NM_052968.5); short protein forms P193Q.
Identifiers: ClinVar variation 3228883 (VCV003228883.1), dbSNP rs761948955, ClinGen allele CA382738006.
Genomic context (GRCh38, chr11:116,790,651, plus strand): 5'-ACACTGCGGTGCAGCTCCTGCACGTGGCGCCCGATGCCGCTCACCAGGCTCTCGGCGTAT[G>T]GGTGGAAGAGCTCTTTGAAGCGGCCGGTGTGGTGCACCACGCGGCTCTGCAGTCCCTGCA-3'
Protein context (NP_001358833.1, residues 183-203): HTGRFKELFH[Pro193Gln]YAESLVSGIG